The following is an entry in ClinVar:

NM_199420.4(POLQ):c.3565A>G (p.Ile1189Val)

Gene: POLQ (DNA polymerase theta; minus strand). Cytogenetic location: 3q13.33.
Variant type: single nucleotide variant.
Coding change: c.3565A>G on transcript NM_199420.4 (MANE Select); coding-DNA position 3565, A replaced by G.
Protein change: p.Ile1189Val; replaces isoleucine 1189 with valine.
Molecular consequence: missense variant.
Genome position (GRCh38, 1-based): chr3:121,489,366, T>C on the plus strand (A>G on the coding strand, the complement: POLQ is on the minus strand). VCF-style: chr3-121489366-T-C. GRCh37 (hg19) VCF-style: chr3-121208213-T-C.
Other names: short protein forms I1189V.
Identifiers: ClinVar variation 3422337 (VCV003422337.1).

ClinVar aggregate classification (germline): Uncertain significance (1 of 4 stars; one submission).

Submission:

Ambry Genetics
Classification: Uncertain significance. Last evaluated: 2024-10-29. Review status: criteria provided, single submitter. Criteria: Ambry Variant Classification Scheme 2023. Collection method: clinical testing. Allele origin: germline.
Comment: The p.I1189V variant (also known as c.3565A>G), located in coding exon 16 of the POLQ gene, results from an A to G substitution at nucleotide position 3565. The isoleucine at codon 1189 is replaced by valine, an amino acid with highly similar properties. This amino acid position is conserved. In addition, this alteration is predicted to be tolerated by in silico analysis. Based on the available evidence, the clinical significance of this variant remains unclear.